The following is an entry in ClinVar:

ClinVar aggregate classification (germline): Uncertain significance (1 of 4 stars; one submission).

Conditions:
ANKRD12-related disorder. Also called: ANKRD12-related condition.

Allele frequency attached by ClinVar (database versions not stated): TOPMed below 0.00001.

Submission:

PreventionGenetics, part of Exact Sciences
Classification: Uncertain significance for ANKRD12-related condition. Last evaluated: 2022-08-29. Review status: criteria provided, single submitter. Criteria: ACMG Guidelines, 2015. Collection method: clinical testing. Allele origin: germline.
Comment: The ANKRD12 c.877A>G variant is predicted to result in the amino acid substitution p.Thr293Ala. To our knowledge, this variant has not been reported in the literature or in a large population database, indicating this variant is rare. At this time, the clinical significance of this variant is uncertain due to the absence of conclusive functional and genetic evidence.

NM_015208.5(ANKRD12):c.877A>G (p.Thr293Ala)

Gene: ANKRD12 (ankyrin repeat domain 12; plus strand). Cytogenetic location: 18p11.22.
Variant type: single nucleotide variant.
Coding change: c.877A>G on transcript NM_015208.5 (MANE Select); coding-DNA position 877, A replaced by G.
Protein change: p.Thr293Ala; replaces threonine 293 with alanine.
Molecular consequence: missense variant.
Genome position (GRCh38, 1-based): chr18:9,221,933, A>G. VCF-style: chr18-9221933-A-G. GRCh37 (hg19) VCF-style: chr18-9221931-A-G.
Other names: c.808A>G, p.Thr270Ala (NM_001083625.3, NM_001204056.1); short protein forms T270A, T293A.
Identifiers: ClinVar variation 2636230 (VCV002636230.1), dbSNP rs1053588385, ClinGen allele CA295901429.
Genomic context (GRCh38, chr18:9,221,933, plus strand): 5'-CACGGTGGAAATCCATTTCAAGCTAATAAACATGGGGAGCGTCCAGTGGATGTAGCAGAA[A>G]CAGAGGAGTTGGAGTTGCTACTAAAAAGAGAGGTGCCTTTATCTGATGATGATGAAAGTT-3'
Protein context (NP_056023.3, residues 283-303): HGERPVDVAE[Thr293Ala]EELELLLKRE